The following is an entry in ClinVar:

ClinVar aggregate classification (germline): Uncertain significance (1 of 4 stars; one submission).

Conditions:
Short-rib thoracic dysplasia 6 with or without polydactyly (SRTD6). Also called: Majewski Syndrome; POLYDACTYLY WITH NEONATAL CHONDRODYSTROPHY, TYPE II; SHORT-RIB THORACIC DYSPLASIA 6 WITH POLYDACTYLY; SHORT-RIB THORACIC DYSPLASIA 6 WITHOUT POLYDACTYLY; SHORT RIB-POLYDACTYLY SYNDROME, TYPE IIA. Identifiers: MedGen C0024507, MONDO:0009894, OMIM 263520.

gnomAD v4.1: 1 of 1,521,424 alleles (0.000066%); highest among the groups gnomAD compares: Non-Finnish European, 0.000089%; no homozygotes.

Submission:

Labcorp Genetics (formerly Invitae), Labcorp
Classification: Uncertain significance for Short-rib thoracic dysplasia 6 with or without polydactyly. Last evaluated: 2025-10-10. Review status: criteria provided, single submitter. Criteria: Invitae Variant Classification Sherloc (09022015). Collection method: clinical testing. Allele origin: germline.
Comment: This sequence change replaces aspartic acid, which is acidic and polar, with histidine, which is basic and polar, at codon 1215 of the NEK1 protein (p.Asp1215His). This variant is not present in population databases (gnomAD no frequency). This variant has not been reported in the literature in individuals affected with NEK1-related conditions. Invitae Evidence Modeling of protein sequence and biophysical properties (such as structural, functional, and spatial information, amino acid conservation, physicochemical variation, residue mobility, and thermodynamic stability) indicates that this missense variant is expected to disrupt NEK1 protein function with a positive predictive value of 80%. In summary, the available evidence is currently insufficient to determine the role of this variant in disease. Therefore, it has been classified as a Variant of Uncertain Significance.

NM_001199397.3(NEK1):c.3727G>C (p.Asp1243His)

Gene: NEK1 (NIMA related kinase 1; minus strand). Cytogenetic location: 4q33.
Variant type: single nucleotide variant.
Coding change: c.3727G>C on transcript NM_001199397.3 (MANE Select); coding-DNA position 3727, G replaced by C.
Protein change: p.Asp1243His; replaces aspartic acid 1243 with histidine.
Molecular consequence: missense variant. On other transcripts: non-coding transcript variant (1).
Genome position (GRCh38, 1-based): chr4:169,400,345, C>G on the plus strand (G>C on the coding strand, the complement: NEK1 is on the minus strand). VCF-style: chr4-169400345-C-G. GRCh37 (hg19) VCF-style: chr4-170321496-C-G.
Other names: c.2890G>C, p.Asp964His (NM_001440625.1); c.3643G>C, p.Asp1215His (NM_012224.4, NM_001374419.1); c.3595G>C, p.Asp1199His (NM_001199398.3); c.3436G>C, p.Asp1146His (NM_001199399.3); c.3511G>C, p.Asp1171His (NM_001199400.3); c.3727G>C, p.Asp1243His (NM_001374418.1); c.3592G>C, p.Asp1198His (NM_001374420.1); c.3244G>C, p.Asp1082His (NM_001374421.1); and 5 more; short protein forms D1008H, D1082H, D1171H, D1199H, D1112H, D1198H, D1215H, D1156H.
Identifiers: ClinVar variation 4709294 (VCV004709294.1).